The following is an entry in ClinVar:

ClinVar aggregate classification (germline): Uncertain significance (1 of 4 stars; one submission).

Conditions:
Epidermolysis bullosa simplex with nail dystrophy (EBS5D). Identifiers: MedGen C4225309, MONDO:0014661, OMIM 616487.
Epidermolysis bullosa simplex, Ogna type (EBS5A). Also called: Pidermolysis bullosa simplex 5A, Ogna type; EPIDERMOLYSIS BULLOSA SIMPLEX 5A, OGNA TYPE. Identifiers: Orphanet 79401, MedGen C0432317, MONDO:0007555, OMIM 131950.
Autosomal recessive limb-girdle muscular dystrophy type 2Q (LGMDR17). Also called: MUSCULAR DYSTROPHY, LIMB-GIRDLE, AUTOSOMAL RECESSIVE 17. Identifiers: Orphanet 254361, MedGen C3150989, MONDO:0013390, OMIM 613723.
Epidermolysis bullosa simplex 5B, with muscular dystrophy (EBS5B). Also called: Epidermolysis bullosa simplex with muscular dystrophy; EPIDERMOLYSIS BULLOSA SIMPLEX AND LIMB-GIRDLE MUSCULAR DYSTROPHY. Identifiers: Orphanet 257, MedGen C2931072, MONDO:0009181, OMIM 226670.
Epidermolysis bullosa simplex 5C, with pyloric atresia (EBS5C). Also called: PLEC-Related Epidermolysis Bullosa with Pyloric Atresia; Epidermolysis bullosa simplex with pyloric atresia; PLEC1-Related Epidermolysis Bullosa with Pyloric Atresia. Identifiers: Orphanet 158684, MedGen C2677349, MONDO:0012807, OMIM 612138.

gnomAD v4.1: 2 of 1,520,010 alleles (0.00013%); highest among the groups gnomAD compares: East Asian, 0.0027%; no homozygotes.

Submission:

Labcorp Genetics (formerly Invitae), Labcorp
Classification: Uncertain significance for Autosomal recessive limb-girdle muscular dystrophy type 2Q; Epidermolysis bullosa simplex, Ogna type; Epidermolysis bullosa simplex with nail dystrophy; Epidermolysis bullosa simplex 5C, with pyloric atresia; Epidermolysis bullosa simplex 5B, with muscular dystrophy. Last evaluated: 2023-05-23. Review status: criteria provided, single submitter. Criteria: Invitae Variant Classification Sherloc (09022015). Collection method: clinical testing. Allele origin: germline.
Comment: Experimental studies and prediction algorithms are not available or were not evaluated, and the functional significance of this variant is currently unknown. In summary, the available evidence is currently insufficient to determine the role of this variant in disease. Therefore, it has been classified as a Variant of Uncertain Significance. Algorithms developed to predict the effect of sequence changes on RNA splicing suggest that this variant is not likely to affect RNA splicing. ClinVar contains an entry for this variant (Variation ID: 2051717). This variant has not been reported in the literature in individuals affected with PLEC-related conditions. This variant is not present in population databases (gnomAD no frequency). This sequence change replaces glutamic acid, which is acidic and polar, with glutamine, which is neutral and polar, at codon 8 of the PLEC protein ( p.Glu8Gln). The PLEC gene has multiple clinically relevant transcripts. This variant occurs in alternate transcript NM_201378.3, and corresponds to NM_000445.4:c.193+1726G>C in the primary transcript.

NM_201378.4(PLEC):c.22G>C (p.Glu8Gln)

Gene: PLEC (plectin; minus strand). Cytogenetic location: 8q24.3.
Variant type: single nucleotide variant.
Coding change: c.22G>C on transcript NM_201378.4 (MANE Plus Clinical); coding-DNA position 22, G replaced by C.
Protein change: p.Glu8Gln; replaces glutamic acid 8 with glutamine.
Molecular consequence: missense variant. On other transcripts: intron variant (2).
Genome position (GRCh38, 1-based): chr8:143,973,451, C>G on the plus strand (G>C on the coding strand, the complement: PLEC is on the minus strand). VCF-style: chr8-143973451-C-G. GRCh37 (hg19) VCF-style: chr8-145047619-C-G.
Other names: c.193+1726G>C (NM_001410941.1, NM_000445.5); short protein forms E8Q.
Identifiers: ClinVar variation 2051717 (VCV002051717.4), dbSNP rs2540060618, ClinGen allele CA372488472.